The following is an entry in ClinVar:

NM_001844.5(COL2A1):c.1271C>T (p.Ala424Val)

Gene: COL2A1 (collagen type II alpha 1 chain; minus strand). Cytogenetic location: 12q13.11.
Variant type: single nucleotide variant.
Coding change: c.1271C>T on transcript NM_001844.5 (MANE Select); coding-DNA position 1271, C replaced by T.
Protein change: p.Ala424Val; replaces alanine 424 with valine.
Molecular consequence: missense variant.
Genome position (GRCh38, 1-based): chr12:47,987,172, G>A on the plus strand (C>T on the coding strand, the complement: COL2A1 is on the minus strand). VCF-style: chr12-47987172-G-A. GRCh37 (hg19) VCF-style: chr12-48380955-G-A.
Other names: c.1064C>T, p.Ala355Val (NM_033150.3); short protein forms A424V, A355V.
Identifiers: ClinVar variation 2107492 (VCV002107492.4), dbSNP rs1939467936, ClinGen allele CA384554058.

ClinVar aggregate classification (germline): Uncertain significance (1 of 4 stars; one submission).

Allele frequency attached by ClinVar (database versions not stated): gnomAD exomes 0.00001.
gnomAD v4.1: 4 of 1,614,068 alleles (0.00025%); highest among the groups gnomAD compares: East Asian, 0.0089%; no homozygotes.

Submission:

Labcorp Genetics (formerly Invitae), Labcorp
Classification: Uncertain significance. Last evaluated: 2025-02-10. Review status: criteria provided, single submitter. Criteria: Invitae Variant Classification Sherloc (09022015). Collection method: clinical testing. Allele origin: germline.
Comment: This sequence change replaces alanine, which is neutral and non-polar, with valine, which is neutral and non-polar, at codon 424 of the COL2A1 protein (p.Ala424Val). This variant is not present in population databases (gnomAD no frequency). This variant has not been reported in the literature in individuals affected with COL2A1-related conditions. ClinVar contains an entry for this variant (Variation ID: 2107492). Invitae Evidence Modeling of protein sequence and biophysical properties (such as structural, functional, and spatial information, amino acid conservation, physicochemical variation, residue mobility, and thermodynamic stability) indicates that this missense variant is not expected to disrupt COL2A1 protein function with a negative predictive value of 95%. In summary, the available evidence is currently insufficient to determine the role of this variant in disease. Therefore, it has been classified as a Variant of Uncertain Significance.